The following is an entry in ClinVar:

ClinVar aggregate classification (germline): Uncertain significance (1 of 4 stars; one submission).

Conditions:
Primary ciliary dyskinesia. Also called: Ciliary dyskinesia. Identifiers: Orphanet 244, MedGen C0008780, MONDO:0016575, HP:0012265.

Allele frequency attached by ClinVar (database versions not stated): gnomAD exomes below 0.00001.

Submission:

Labcorp Genetics (formerly Invitae), Labcorp
Classification: Uncertain significance for Primary ciliary dyskinesia. Last evaluated: 2023-11-01. Review status: criteria provided, single submitter. Criteria: Invitae Variant Classification Sherloc (09022015). Collection method: clinical testing. Allele origin: germline.
Comment: This sequence change replaces alanine, which is neutral and non-polar, with valine, which is neutral and non-polar, at codon 188 of the DNAAF3 protein (p.Ala188Val). This variant is not present in population databases (gnomAD no frequency). This variant has not been reported in the literature in individuals affected with DNAAF3-related conditions. Advanced modeling of protein sequence and biophysical properties (such as structural, functional, and spatial information, amino acid conservation, physicochemical variation, residue mobility, and thermodynamic stability) performed at Invitae indicates that this missense variant is not expected to disrupt DNAAF3 protein function with a negative predictive value of 80%. In summary, the available evidence is currently insufficient to determine the role of this variant in disease. Therefore, it has been classified as a Variant of Uncertain Significance.

NM_001256715.2(DNAAF3):c.359C>T (p.Ala120Val)

Genes: DNAAF3 (dynein axonemal assembly factor 3; minus strand), DNAAF3-AS1 (DNAAF3 antisense RNA 1; plus strand). Cytogenetic location: 19q13.42.
Variant type: single nucleotide variant.
Coding change: c.359C>T on transcript NM_001256715.2 (MANE Select); coding-DNA position 359, C replaced by T.
Protein change: p.Ala120Val; replaces alanine 120 with valine.
Molecular consequence: missense variant.
Genome position (GRCh38, 1-based): chr19:55,162,254, G>A on the plus strand (C>T on the coding strand, the complement: DNAAF3 is on the minus strand). VCF-style: chr19-55162254-G-A. GRCh37 (hg19) VCF-style: chr19-55673622-G-A.
Other names: c.563C>T, p.Ala188Val (NM_001256714.1); c.197C>T, p.Ala66Val (NM_001256716.2); c.500C>T, p.Ala167Val (NM_178837.4); short protein forms A188V, A120V, A66V, A167V.
Identifiers: ClinVar variation 2965159 (VCV002965159.3), dbSNP rs2515529745, ClinGen allele CA407458128.